The following continues an entry in ClinVar:

NM_000492.4(CFTR):c.1055G>A (p.Arg352Gln)

Gene: CFTR. ClinVar aggregate classification (germline): Pathogenic; drug response. Pathogenic (1).

Submissions 11 to 24 of 24:

ARUP Laboratories, Molecular Genetics and Genomics, ARUP Laboratories
Classification: Pathogenic. Last evaluated: 2022-08-16. Review status: criteria provided, single submitter. Criteria: ARUP Molecular Germline Variant Investigation Process 2021. Collection method: clinical testing. Allele origin: germline. Not counted in ClinVar's aggregate classification.
Comment: The CFTR c.1055G>A; p.Arg352Gln variant (rs121908753) is reported in the literature in several individuals affected with cystic fibrosis (Masson 2013, Ooi 2012, Sosnay 2013). This variant is also reported in ClinVar (Variation ID: 7198), and is only observed on six alleles in the Genome Aggregation Database, indicating it is not a common polymorphism. The arginine at codon 352 is highly conserved, and computational analyses predict that this variant is deleterious (REVEL: 0.804). Additionally, functional assays demonstrate reduced protein function (Van Goor 2014). Based on available information, this variant is considered to be pathogenic. References Masson E et al. A conservative assessment of the major genetic causes of idiopathic chronic pancreatitis: data from a comprehensive analysis of PRSS1, SPINK1, CTRC and CFTR genes in 253 young French patients. PLoS One. 2013 Aug 8;8(8):e73522. PMID: 23951356. Ooi CY et al. Cystic fibrosis transmembrane conductance regulator (CFTR) gene mutations in pancreatitis. J Cyst Fibros. 2012 Sep;11(5):355-62. PMID: 22658665. Sosnay PR et al. Defining the disease liability of variants in the cystic fibrosis transmembrane conductance regulator gene. Nat Genet. 2013 Oct;45(10):1160-7. PMID: 23974870. Van Goor F et al. Effect of ivacaftor on CFTR forms with missense mutations associated with defects in protein processing or function. J Cyst Fibros. 2014 Jan;13(1):29-36. PMID: 23891399.

Blueprint Genetics
Classification: Pathogenic for CFTR-related disorders. Last evaluated: 2021-11-16. Review status: criteria provided, single submitter. Criteria: ACMG Guidelines, 2015. Collection method: clinical testing. Allele origin: germline. Affected: yes. Observed: 2 variant alleles. Not counted in ClinVar's aggregate classification.

Greenwood Genetic Center Diagnostic Laboratories, Greenwood Genetic Center
Classification: Pathogenic. Last evaluated: 2021-02-01. Review status: criteria provided, single submitter. Criteria: ACMG Guidelines, 2015. Collection method: clinical testing. Allele origin: germline. Affected: yes. Not counted in ClinVar's aggregate classification.
Comment: PS3, PM3_Supporting, PP3, PM1, PM2

Johns Hopkins Genomics, Johns Hopkins University
Classification: Pathogenic for Cystic fibrosis. Last evaluated: 2020-01-06. Review status: criteria provided, single submitter. Criteria: ACMG Guidelines, 2015. Collection method: clinical testing. Allele origin: germline. Not counted in ClinVar's aggregate classification.
Comment: Previously reported disease-causing CFTR variant. See CFTR2 for phenotype information.

Myriad Genetics, Inc.
Classification: Pathogenic for Cystic fibrosis. Last evaluated: 2019-11-12. Review status: criteria provided, single submitter. Criteria: Myriad Women's Health Autosomal Recessive and X-Linked Classification Criteria (2019). Collection method: clinical testing. Allele origin: unknown. Not counted in ClinVar's aggregate classification.
Comment: NM_000492.3(CFTR):c.1055G>A(R352Q) is classified as pathogenic in the context of cystic fibrosis and is associated with the non-classic form of disease. Sources cited for classification include the following: PMID 18456578 and 23974870. Classification of NM_000492.3(CFTR):c.1055G>A(R352Q) is based on the following criteria: This is a well-established pathogenic variant in the literature that has been observed more frequently in patients with clinical diagnoses than in healthy populations. Please note: this variant was assessed in the context of healthy population screening.â€šÃ„Ã¶âˆšÃ‘âˆšÂ£

Women's Health and Genetics/Laboratory Corporation of America, LabCorp
Classification: Pathogenic for Cystic fibrosis. Last evaluated: 2019-10-07. Review status: criteria provided, single submitter. Criteria: LabCorp Variant Classification Summary - May 2015. Collection method: clinical testing. Allele origin: germline. Not counted in ClinVar's aggregate classification.
Comment: Variant summary: CFTR c.1055G>A (p.Arg352Gln) results in a conservative amino acid change in the encoded protein sequence. Four of five in-silico tools predict a damaging effect of the variant on protein function. The variant allele was found at a frequency of 2.4e-05 in 251124 control chromosomes (gnomAD). c.1055G>A has been reported in the literature in multiple individuals affected with Cystic Fibrosis (e.g. Dupuis_2015, Shackelton_1994, Sosnay_2013). These data indicate that the variant is very likely to be associated with disease. At least one publication reports experimental evidence evaluating an impact on protein function, and demonstrated that the variant leads to defective chloride channel function (Sosnay 2013). Four clinical diagnostic laboratories have submitted clinical-significance assessments for this variant to ClinVar after 2014 without evidence for independent evaluation, and all of them classified the variant as pathogenic. Based on the evidence outlined above, the variant was classified as pathogenic.

Genome Diagnostics Laboratory, The Hospital for Sick Children
Classification: Pathogenic for Cystic fibrosis. Last evaluated: 2019-08-14. Review status: criteria provided, single submitter. Criteria: ACMG Guidelines, 2015. Collection method: clinical testing. Allele origin: germline. Not counted in ClinVar's aggregate classification.

Quest Diagnostics Nichols Institute San Juan Capistrano
Classification: Pathogenic. Last evaluated: 2019-04-13. Review status: criteria provided, single submitter. Criteria: Quest Diagnostics criteria. Collection method: clinical testing. Allele origin: unknown. Not counted in ClinVar's aggregate classification.
Comment: Analysis of this variant using bioinformatics tools for the prediction of the effect of amino acid changes on protein structure and function yielded predictions that this variant is damaging. The variant occurs with multiple lone recessive pathogenic variants in the same gene. Functional studies have shown that this variant has a deleterious effect on protein function.

Mendelics
Classification: Pathogenic for Cystic fibrosis. Last evaluated: 2018-11-05. Review status: criteria provided, single submitter. Criteria: Mendelics Assertion Criteria 2017. Collection method: clinical testing. Allele origin: unknown. Affected: yes. Not counted in ClinVar's aggregate classification.

Fulgent Genetics
Classification: Pathogenic for Hereditary pancreatitis; Bronchiectasis with or without elevated sweat chloride 1; Cystic fibrosis; Congenital bilateral aplasia of vas deferens from CFTR mutation. Last evaluated: 2018-10-31. Review status: criteria provided, single submitter. Criteria: ACMG Guidelines, 2015. Collection method: clinical testing. Allele origin: unknown. Not counted in ClinVar's aggregate classification.

CFTR-France
Classification: Pathogenic for cystic fibrosis. Last evaluated: 2018-01-29. Review status: criteria provided, single submitter. Criteria: Claustres M et al. (Hum Mutat 2017). Collection method: curation. Allele origin: germline. Affected: yes. Not counted in ClinVar's aggregate classification.

Baylor Genetics
Classification: Pathogenic for Congenital bilateral aplasia of vas deferens from CFTR mutation; Cystic fibrosis. Review status: criteria provided, single submitter. Criteria: ACMG Guidelines, 2015. Collection method: clinical testing. Allele origin: germline. Not counted in ClinVar's aggregate classification.

Genome Diagnostics Laboratory, The Hospital for Sick Children
Classification: Pathogenic for CFTR-related disorders. Last evaluated: 2019-08-14. Review status: no assertion criteria provided. Collection method: clinical testing. Allele origin: germline. Not counted in ClinVar's aggregate classification.

OMIM
Classification: Pathogenic for CYSTIC FIBROSIS. Last evaluated: 1993-01-01. Review status: no assertion criteria provided. Collection method: literature only. Allele origin: germline. Not counted in ClinVar's aggregate classification.

Literature cited by the submitters: PubMed 23891399 (cited by 3 submitters); PubMed 23974870 (cited by 4 submitters); PubMed 7544319 (cited by 4 submitters); PubMed 19318346 (cited by Otogenetics); PubMed 21520337 (cited by Otogenetics and Ambry Genetics); PubMed 27659740 (cited by Otogenetics); PubMed 19897426 (cited by Otogenetics); PubMed 20522854 (cited by Labcorp Genetics (formerly Invitae), Labcorp); PubMed 27086061 (cited by Labcorp Genetics (formerly Invitae), Labcorp and Dasa); PubMed 28646244 (cited by Labcorp Genetics (formerly Invitae), Labcorp and Dasa); PubMed 23709221 (cited by Dasa and Ambry Genetics); PubMed 18456578 (cited by Dasa and Myriad Genetics, Inc.); PubMed 26087176 (cited by Natera, Inc. and Women's Health and Genetics/Laboratory Corporation of America, LabCorp); PubMed 1284538 (cited by 3 submitters); PubMed 18421494 (cited by Ambry Genetics and Quest Diagnostics Nichols Institute San Juan Capistrano); PubMed 24586523 (cited by Ambry Genetics); PubMed 12815607 (cited by Women's Health and Genetics/Laboratory Corporation of America, LabCorp); PubMed 7515303 (cited by Women's Health and Genetics/Laboratory Corporation of America, LabCorp and Quest Diagnostics Nichols Institute San Juan Capistrano); PubMed 7504969 (cited by OMIM).